The following is an entry in ClinVar:

ClinVar aggregate classification (germline): Uncertain significance (1 of 4 stars; one submission).

Conditions:
Inborn genetic diseases. Identifiers: MedGen C0950123, MeSH D030342.

Submission:

Ambry Genetics
Classification: Uncertain significance for Inborn genetic diseases. Last evaluated: 2020-01-30. Review status: criteria provided, single submitter. Criteria: Ambry Variant Classification Scheme 2023. Collection method: clinical testing. Allele origin: germline.
Comment: The p.Y1733S variant (also known as c.5198A>C), located in coding exon 37 of the SBF2 gene, results from an A to C substitution at nucleotide position 5198. The tyrosine at codon 1733 is replaced by serine, an amino acid with dissimilar properties. This amino acid position is highly conserved in available vertebrate species. In addition, the in silico prediction for this alteration is inconclusive. Since supporting evidence is limited at this time, the clinical significance of this alteration remains unclear.

NM_030962.4(SBF2):c.5198A>C (p.Tyr1733Ser)

Genes: SBF2 (SET binding factor 2; minus strand), SBF2-AS1 (SBF2 antisense RNA 1; plus strand), LOC105369149 (uncharacterized LOC105369149; plus strand). Cytogenetic location: 11p15.4.
Variant type: single nucleotide variant.
Coding change: c.5198A>C on transcript NM_030962.4 (MANE Select); coding-DNA position 5198, A replaced by C.
Protein change: p.Tyr1733Ser; replaces tyrosine 1733 with serine.
Molecular consequence: missense variant.
Genome position (GRCh38, 1-based): chr11:9,785,158, T>G on the plus strand (A>C on the coding strand, the complement: SBF2 is on the minus strand). VCF-style: chr11-9785158-T-G. GRCh37 (hg19) VCF-style: chr11-9806705-T-G.
Other names: c.5294A>C, p.Tyr1765Ser (NM_001386339.1); c.5069A>C, p.Tyr1690Ser (NM_001386342.1); short protein forms Y1765S, Y1733S, Y1690S.
Identifiers: ClinVar variation 1745949 (VCV001745949.2), dbSNP rs1334739235, ClinGen allele CA379631507.